The following is an entry in ClinVar:

ClinVar aggregate classification (germline): Uncertain significance (1 of 4 stars; one submission).

Conditions:
EDN3-related disorder. Also called: EDN3-related condition.

gnomAD v4.1: 7 of 1,613,094 alleles (0.00043%); highest among the groups gnomAD compares: Non-Finnish European, 0.00051%; no homozygotes.

Submission:

PreventionGenetics, part of Exact Sciences
Classification: Uncertain significance for EDN3-related condition. Last evaluated: 2025-12-21. Review status: criteria provided, single submitter. Criteria: ACMG Guidelines, 2015. Collection method: clinical testing. Allele origin: germline.
Comment: The EDN3 c.95G>C variant is predicted to result in the amino acid substitution p.Gly32Ala. To our knowledge, this variant has not been reported in the literature. This variant is reported in 0.00091% of alleles in individuals of European (non-Finnish) descent in gnomAD. At this time, the clinical significance of this variant is uncertain due to the absence of conclusive functional and genetic evidence.

NM_207034.3(EDN3):c.95G>C (p.Gly32Ala)

Gene: EDN3 (endothelin 3; plus strand). Cytogenetic location: 20q13.32.
Variant type: single nucleotide variant.
Coding change: c.95G>C on transcript NM_207034.3 (MANE Select); coding-DNA position 95, G replaced by C.
Protein change: p.Gly32Ala; replaces glycine 32 with alanine.
Molecular consequence: missense variant.
Genome position (GRCh38, 1-based): chr20:59,301,452, G>C. VCF-style: chr20-59301452-G-C. GRCh37 (hg19) VCF-style: chr20-57876507-G-C.
Other names: c.95G>C, p.Gly32Ala (NM_001302455.2, NM_001302456.2, NM_001424361.1 and 4 more transcripts); short protein forms G32A.
Identifiers: ClinVar variation 4998000 (VCV004998000.1).
Genomic context (GRCh38, chr20:59,301,452, plus strand): 5'-TCAATCTGCCTTCTGCAGGATTCGTGCCTTGCTCCCAGTCTGGGGATGCTGGCAGGCGCG[G>C]CGTGTCCCAGGCCCCCACTGCAGCCAGATCTGAGGGGGACTGTGAAGAGACTGTGGCTGG-3'
Protein context (NP_996917.1, residues 22-42): CSQSGDAGRR[Gly32Ala]VSQAPTAARS